The following is an entry in ClinVar:

ClinVar aggregate classification (germline): Pathogenic. Review status: criteria provided, single submitter (1 of 4 stars). 2 submissions from 2 submitters: Pathogenic (1). 1 of the submissions does not count toward it. Last evaluated 2022-09-08.

Conditions:
Osteoporosis, childhood- or juvenile-onset, with developmental delay. Identifiers: MedGen C5676992, MONDO:0859253, OMIM 619884.

Submissions (2):

GeneDx
Classification: Pathogenic. Last evaluated: 2022-09-08. Review status: criteria provided, single submitter. Criteria: GeneDx Variant Classification Process June 2021. Collection method: clinical testing. Allele origin: germline. Affected: yes.
Comment: Frameshift variant predicted to result in protein truncation or nonsense mediated decay in a gene for which loss-of-function is not a known mechanism of disease; Not observed at significant frequency in large population cohorts (gnomAD); This variant is associated with the following publications: (PMID: 34450031)

OMIM
Classification: Pathogenic for OSTEOPOROSIS, CHILDHOOD- OR JUVENILE-ONSET, WITH DEVELOPMENTAL DELAY. Last evaluated: 2022-05-24. Review status: no assertion criteria provided. Collection method: literature only. Allele origin: germline. Not counted in ClinVar's aggregate classification.

Literature cited by the submitters: PubMed 34450031 (cited by OMIM).

NM_004766.3(COPB2):c.247dup (p.Val83fs)

Gene: COPB2 (COPI coat complex subunit beta 2; minus strand). Cytogenetic location: 3q23.
Variant type: Duplication.
Coding change: c.247dup on transcript NM_004766.3 (MANE Select); coding-DNA position 247, one base duplicated (G; older notation c.247dupG).
Protein change: p.Val83fs; shifts the reading frame from valine 83.
Molecular consequence: frameshift variant. On other transcripts: non-coding transcript variant (1).
Genome position (GRCh38, 1-based): chr3:139,379,155, C duplicated on the plus strand (G on the coding strand, the reverse complement: COPB2 is on the minus strand). VCF-style (leftmost placement, unchanged base first): chr3-139379154-A-AC. GRCh37 (hg19) VCF-style: chr3-139097996-A-AC.
Other names: c.247dupG (NM_004766.2); short protein forms V83fs.
Identifiers: ClinVar variation 1686976 (VCV001686976.3), dbSNP rs2107807701, ClinGen allele CA2573136580.